The following is an entry in ClinVar:

ClinVar aggregate classification (germline): Uncertain significance (1 of 4 stars; one submission).

Submission:

GeneDx
Classification: Uncertain significance. Last evaluated: 2024-04-22. Review status: criteria provided, single submitter. Criteria: GeneDx Variant Classification Process June 2021. Collection method: clinical testing. Allele origin: germline. Affected: yes.
Comment: Not observed at significant frequency in large population cohorts (gnomAD); In silico analysis indicates that this missense variant does not alter protein structure/function; Has not been previously published as pathogenic or benign to our knowledge

NM_153603.4(COG7):c.159C>G (p.His53Gln)

Gene: COG7 (component of oligomeric golgi complex 7; minus strand). Cytogenetic location: 16p12.2.
Variant type: single nucleotide variant.
Coding change: c.159C>G on transcript NM_153603.4 (MANE Select); coding-DNA position 159, C replaced by G.
Protein change: p.His53Gln; replaces histidine 53 with glutamine.
Molecular consequence: missense variant.
Genome position (GRCh38, 1-based): chr16:23,452,836, G>C on the plus strand (C>G on the coding strand, the complement: COG7 is on the minus strand). VCF-style: chr16-23452836-G-C. GRCh37 (hg19) VCF-style: chr16-23464157-G-C.
Other names: short protein forms H53Q.
Identifiers: ClinVar variation 3371987 (VCV003371987.1).